The following is an entry in ClinVar:

ClinVar aggregate classification (germline): Conflicting classifications of pathogenicity. Review status: criteria provided, conflicting classifications (1 of 4 stars). 2 submissions from 2 submitters: Uncertain significance (1); Benign (1). Last evaluated 2026-03-25.

Conditions:
Hereditary cancer-predisposing syndrome. Also called: Neoplastic Syndromes, Hereditary; Tumor predisposition; Hereditary neoplastic syndrome; Hereditary Cancer Syndrome. Identifiers: Orphanet 140162, MedGen C0027672, MeSH D009386, MONDO:0015356.
Ataxia-telangiectasia syndrome (AT). Also called: Ataxia telangiectasia (A-T); LOUIS-BAR SYNDROME; Cerebello-oculocutaneous telangiectasia; Immunodeficiency with ataxia telangiectasia; Ataxia-telangiectasia, complementation group E; Ataxia-telangiectasia, complementation group D. Identifiers: Orphanet 100, MedGen C0004135, MONDO:0008840, OMIM 208900.

gnomAD v4.1: 1 of 1,613,704 alleles (0.000062%); no homozygotes.

Submissions (2):

Ambry Genetics
Classification: Benign for Hereditary cancer-predisposing syndrome. Last evaluated: 2026-03-25. Review status: criteria provided, single submitter. Criteria: Ambry Variant Classification Scheme 2023. Collection method: clinical testing. Allele origin: germline.

Labcorp Genetics (formerly Invitae), Labcorp
Classification: Uncertain significance for Ataxia-telangiectasia syndrome. Last evaluated: 2023-03-02. Review status: criteria provided, single submitter. Criteria: Invitae Variant Classification Sherloc (09022015). Collection method: clinical testing. Allele origin: germline.
Comment: In summary, the available evidence is currently insufficient to determine the role of this variant in disease. Therefore, it has been classified as a Variant of Uncertain Significance. Algorithms developed to predict the effect of missense changes on protein structure and function output the following: SIFT: "Not Available"; PolyPhen-2: "Benign"; Align-GVGD: "Not Available". The serine amino acid residue is found in multiple mammalian species, which suggests that this missense change does not adversely affect protein function. This sequence change replaces asparagine, which is neutral and polar, with serine, which is neutral and polar, at codon 703 of the ATM protein (p.Asn703Ser). This variant is not present in population databases (gnomAD no frequency). This variant has not been reported in the literature in individuals affected with ATM-related conditions. ClinVar contains an entry for this variant (Variation ID: 140826).

Literature cited by the submitters: PubMed 40580951 (cited by Ambry Genetics).

NM_000051.4(ATM):c.2108A>G (p.Asn703Ser)

Gene: ATM (ATM serine/threonine kinase; plus strand). Cytogenetic location: 11q22.3.
Variant type: single nucleotide variant.
Coding change: c.2108A>G on transcript NM_000051.4 (MANE Select); coding-DNA position 2108, A replaced by G.
Protein change: p.Asn703Ser; replaces asparagine 703 with serine.
Molecular consequence: missense variant.
Genome position (GRCh38, 1-based): chr11:108,254,023, A>G. VCF-style: chr11-108254023-A-G. GRCh37 (hg19) VCF-style: chr11-108124750-A-G.
Other names: c.2108A>G, p.Asn703Ser (NM_001351834.2); short protein forms N703S.
Identifiers: ClinVar variation 140826 (VCV000140826.12), dbSNP rs587781304, ClinGen allele CA163670.